The following is an entry in ClinVar:

ClinVar aggregate classification (germline): Likely benign (1 of 4 stars; one submission).

Allele frequency attached by ClinVar (database versions not stated): gnomAD 0.00006; 1000 Genomes Project 30x 0.00031; 1000 Genomes Project 0.00040.
gnomAD v4.1: 190 of 1,610,446 alleles (0.012%); highest among the groups gnomAD compares: South Asian, 0.19%; 6 homozygotes.

Submission:

CeGaT Center for Human Genetics Tuebingen
Classification: Likely benign. Last evaluated: 2023-02-01. Review status: criteria provided, single submitter. Criteria: CeGaT Center For Human Genetics Tuebingen Variant Classification Criteria Version 2. Collection method: clinical testing. Allele origin: germline. Affected: yes. Observed: 2 variant alleles.
Comment: CDH15: BP4, BP7, BS2

NM_004933.3(CDH15):c.279C>G (p.Gly93=)

Gene: CDH15 (cadherin 15; plus strand). Cytogenetic location: 16q24.3.
Variant type: single nucleotide variant.
Coding change: c.279C>G on transcript NM_004933.3 (MANE Select); coding-DNA position 279, C replaced by G.
Protein change: p.Gly93=; no amino-acid change (glycine 93 retained).
Molecular consequence: synonymous variant.
Genome position (GRCh38, 1-based): chr16:89,180,277, C>G. VCF-style: chr16-89180277-C-G. GRCh37 (hg19) VCF-style: chr16-89246685-C-G.
Identifiers: ClinVar variation 2647021 (VCV002647021.24), dbSNP rs555779582, ClinGen allele CA8238761.